The following is an entry in ClinVar:

NM_000748.3(CHRNB2):c.58T>C (p.Cys20Arg)

Gene: CHRNB2 (cholinergic receptor nicotinic beta 2 subunit; plus strand). Cytogenetic location: 1q21.3.
Variant type: single nucleotide variant.
Coding change: c.58T>C on transcript NM_000748.3 (MANE Select); coding-DNA position 58, T replaced by C.
Protein change: p.Cys20Arg; replaces cysteine 20 with arginine.
Molecular consequence: missense variant.
Genome position (GRCh38, 1-based): chr1:154,568,102, T>C. VCF-style: chr1-154568102-T-C. GRCh37 (hg19) VCF-style: chr1-154540578-T-C.
Other names: short protein forms C20R.
Identifiers: ClinVar variation 2755444 (VCV002755444.3), dbSNP rs2526359607, ClinGen allele CA342629141.

ClinVar aggregate classification (germline): Uncertain significance (1 of 4 stars; one submission).

Conditions:
Familial sleep-related hypermotor epilepsy. Also called: Autosomal Dominant Sleep-Related Hypermotor (Hyperkinetic) Epilepsy. Identifiers: Orphanet 98784, MedGen C3696898, MONDO:0000030.

Submission:

Labcorp Genetics (formerly Invitae), Labcorp
Classification: Uncertain significance. Last evaluated: 2023-08-29. Review status: criteria provided, single submitter. Criteria: Invitae Variant Classification Sherloc (09022015). Collection method: clinical testing. Allele origin: germline.
Comment: In summary, the available evidence is currently insufficient to determine the role of this variant in disease. Therefore, it has been classified as a Variant of Uncertain Significance. Advanced modeling of protein sequence and biophysical properties (such as structural, functional, and spatial information, amino acid conservation, physicochemical variation, residue mobility, and thermodynamic stability) performed at Invitae indicates that this missense variant is not expected to disrupt CHRNB2 protein function. This variant has not been reported in the literature in individuals affected with CHRNB2-related conditions. This variant is not present in population databases (gnomAD no frequency). This sequence change replaces cysteine, which is neutral and slightly polar, with arginine, which is basic and polar, at codon 20 of the CHRNB2 protein (p.Cys20Arg).